The following is an entry in ClinVar:

NM_021098.3(CACNA1H):c.2462T>C (p.Leu821Pro)

Gene: CACNA1H (calcium voltage-gated channel subunit alpha1 H; plus strand). Cytogenetic location: 16p13.3.
Variant type: single nucleotide variant.
Coding change: c.2462T>C on transcript NM_021098.3 (MANE Select); coding-DNA position 2462, T replaced by C.
Protein change: p.Leu821Pro; replaces leucine 821 with proline.
Molecular consequence: missense variant.
Genome position (GRCh38, 1-based): chr16:1,205,124, T>C. VCF-style: chr16-1205124-T-C. GRCh37 (hg19) VCF-style: chr16-1255124-T-C.
Other names: c.2462T>C, p.Leu821Pro (NM_001005407.2); short protein forms L821P.
Identifiers: ClinVar variation 1315635 (VCV001315635.5), dbSNP rs2141288117, ClinGen allele CA394167280.

ClinVar aggregate classification (germline): Uncertain significance. Review status: criteria provided, multiple submitters, no conflicts (2 of 4 stars). 2 submissions from 2 submitters: Uncertain significance (2). Last evaluated 2023-02-14.

Conditions:
Idiopathic generalized epilepsy. Also called: Generalised epilepsy; EIG. Identifiers: MedGen C0270850, MONDO:0005579, OMIM 600669.
Hyperaldosteronism, familial, type IV (HALD4). Also called: FH IV; ALDOSTERONISM, PRIMARY, AND HYPERTENSION. Identifiers: Orphanet 642671, MedGen C4310756, MONDO:0014875, OMIM 617027.

Allele frequency attached by ClinVar (database versions not stated): gnomAD exomes below 0.00001.
gnomAD v4.1: 1 of 1,611,986 alleles (0.000062%); highest among the groups gnomAD compares: East Asian, 0.0022%; no homozygotes.

Submissions (2):

Labcorp Genetics (formerly Invitae), Labcorp
Classification: Uncertain significance for Idiopathic generalized epilepsy; Hyperaldosteronism, familial, type IV. Last evaluated: 2023-02-14. Review status: criteria provided, single submitter. Criteria: Invitae Variant Classification Sherloc (09022015). Collection method: clinical testing. Allele origin: germline.
Comment: This variant is not present in population databases (gnomAD no frequency). This sequence change replaces leucine, which is neutral and non-polar, with proline, which is neutral and non-polar, at codon 821 of the CACNA1H protein (p.Leu821Pro). This variant has not been reported in the literature in individuals affected with CACNA1H-related conditions. In summary, the available evidence is currently insufficient to determine the role of this variant in disease. Therefore, it has been classified as a Variant of Uncertain Significance. Advanced modeling of protein sequence and biophysical properties (such as structural, functional, and spatial information, amino acid conservation, physicochemical variation, residue mobility, and thermodynamic stability) performed at Invitae indicates that this missense variant is expected to disrupt CACNA1H protein function. ClinVar contains an entry for this variant (Variation ID: 1315635).

GeneDx
Classification: Uncertain significance. Last evaluated: 2019-05-30. Review status: criteria provided, single submitter. Criteria: GeneDx Variant Classification Process June 2021. Collection method: clinical testing. Allele origin: germline. Affected: yes.
Comment: Not observed in large population cohorts (Lek et al., 2016); In silico analysis, which includes protein predictors and evolutionary conservation, supports a deleterious effect; Has not been previously published as pathogenic or benign to our knowledge